The following is an entry in ClinVar:

ClinVar aggregate classification (germline): Benign/Likely benign. Review status: criteria provided, multiple submitters, no conflicts (2 of 4 stars). 6 submissions from 6 submitters: Benign (1); Likely benign (3). 2 of the submissions do not count toward it. Last evaluated 2026-02-01.

Conditions:
Hereditary spastic paraplegia 39 (SPG39). Also called: Spastic Paraplegia Type 39 (SPG39); SPASTIC PARAPLEGIA 39, AUTOSOMAL RECESSIVE. Identifiers: Orphanet 139480, MedGen C2677586, MONDO:0012787, OMIM 612020.

Allele frequency attached by ClinVar (database versions not stated): 1000 Genomes Project 0.00140; 1000 Genomes Project 30x 0.00141; ExAC 0.00260; gnomAD exomes 0.00352; gnomAD 0.00379 and 0.00421; TOPMed 0.00433.
gnomAD v4.1: 11,032 of 1,520,738 alleles (0.73%); highest among the groups gnomAD compares: Non-Finnish European, 0.92%; 66 homozygotes.

Submissions (6):

Labcorp Genetics (formerly Invitae), Labcorp
Classification: Benign for Hereditary spastic paraplegia 39. Last evaluated: 2026-02-01. Review status: criteria provided, single submitter. Criteria: Invitae Variant Classification Sherloc (09022015). Collection method: clinical testing. Allele origin: germline.

Blueprint Genetics
Classification: Likely benign. Last evaluated: 2024-11-27. Review status: criteria provided, single submitter. Criteria: ACMG Guidelines, 2015. Collection method: clinical testing. Allele origin: germline.

GeneDx
Classification: Likely benign. Last evaluated: 2016-10-24. Review status: criteria provided, single submitter. Criteria: GeneDx Variant Classification (06012015). Collection method: clinical testing. Allele origin: germline. Affected: yes.
Comment: This variant is considered likely benign or benign based on one or more of the following criteria: it is a conservative change, it occurs at a poorly conserved position in the protein, it is predicted to be benign by multiple in silico algorithms, and/or has population frequency not consistent with disease.

Breakthrough Genomics
Classification: Likely benign. Review status: criteria provided, single submitter. Criteria: ACMG Guidelines, 2015. Collection method: not provided. Allele origin: germline. Inheritance: Autosomal recessive inheritance. Affected: yes.

Clinical Genetics, Academic Medical Center
Classification: Likely benign. Review status: no assertion criteria provided. Collection method: clinical testing. Allele origin: germline. Affected: yes. Study: VKGL Data-share Consensus. Not counted in ClinVar's aggregate classification.

Joint Genome Diagnostic Labs from Nijmegen and Maastricht, Radboudumc and MUMC+
Classification: Likely benign. Review status: no assertion criteria provided. Collection method: clinical testing. Allele origin: germline. Affected: yes. Study: VKGL Data-share Consensus. Not counted in ClinVar's aggregate classification.

NM_001166114.2(PNPLA6):c.414-18C>T

Gene: PNPLA6 (patatin like domain 6, lysophospholipase; plus strand). Cytogenetic location: 19p13.2.
Variant type: single nucleotide variant.
Coding change: c.414-18C>T on transcript NM_001166114.2 (MANE Select); 18 bases into the intron before coding-DNA position 414, C replaced by T.
Molecular consequence: intron variant.
Genome position (GRCh38, 1-based): chr19:7,539,900, C>T. VCF-style: chr19-7539900-C-T. GRCh37 (hg19) VCF-style: chr19-7604786-C-T.
Other names: c.297-18C>T (NM_006702.5, NM_001166112.2, NM_001166113.1); c.441-18C>T (NM_001166111.2).
Identifiers: ClinVar variation 390139 (VCV000390139.16), dbSNP rs149630061, ClinGen allele CA9139460.